The following is an entry in ClinVar:

ClinVar aggregate classification (germline): Pathogenic (1 of 4 stars; one submission).

Conditions:
CHARGE syndrome (CHARGE). Also called: Hittner Hirsch Kreh syndrome; CHARGE ASSOCIATION--COLOBOMA, HEART ANOMALY, CHOANAL ATRESIA, RETARDATION, GENITAL AND EAR ANOMALIES; Coloboma, heart anomaly, choanal atresia, retardation, genital and ear anomalies; CHARGE association; Hall-Hittner syndrome. Identifiers: Orphanet 138, MedGen C0265354, MONDO:0008965.

Submission:

Labcorp Genetics (formerly Invitae), Labcorp
Classification: Pathogenic for CHARGE syndrome. Last evaluated: 2022-04-07. Review status: criteria provided, single submitter. Criteria: Invitae Variant Classification Sherloc (09022015). Collection method: clinical testing. Allele origin: germline.
Comment: For these reasons, this variant has been classified as Pathogenic. This variant has not been reported in the literature in individuals affected with CHD7-related conditions. This variant is not present in population databases (gnomAD no frequency). This sequence change creates a premature translational stop signal (p.Tyr160*) in the CHD7 gene. It is expected to result in an absent or disrupted protein product. Loss-of-function variants in CHD7 are known to be pathogenic (PMID: 22461308, 25077900).

Literature cited by the submitters: PubMed 22461308; PubMed 25077900.

NM_017780.4(CHD7):c.480C>A (p.Tyr160Ter)

Gene: CHD7 (chromodomain helicase DNA binding protein 7; plus strand). Cytogenetic location: 8q12.2.
Variant type: single nucleotide variant.
Coding change: c.480C>A on transcript NM_017780.4 (MANE Select); coding-DNA position 480, C replaced by A.
Protein change: p.Tyr160Ter; replaces tyrosine 160 with a stop codon.
Molecular consequence: nonsense.
Genome position (GRCh38, 1-based): chr8:60,741,912, C>A. VCF-style: chr8-60741912-C-A. GRCh37 (hg19) VCF-style: chr8-61654471-C-A.
Other names: c.480C>A, p.Tyr160Ter (NM_001316690.1); short protein forms Y160*.
Identifiers: ClinVar variation 2122701 (VCV002122701.4), dbSNP rs2487264136, ClinGen allele CA371297527.